The following is an entry in ClinVar:

NM_016219.5(MAN1B1):c.772_775del (p.Leu258fs)

Gene: MAN1B1 (mannosidase alpha class 1B member 1; plus strand). Cytogenetic location: 9q34.3.
Variant type: Deletion.
Coding change: c.772_775del on transcript NM_016219.5 (MANE Select); coding-DNA positions 772 to 775, 4 bases deleted (CTGC; older notation c.772_775delCTGC).
Protein change: p.Leu258fs; shifts the reading frame from leucine 258.
Molecular consequence: frameshift variant. On other transcripts: non-coding transcript variant (2).
Genome position (GRCh38, 1-based): chr9:137,099,737-137,099,740, CTGC deleted; deleting any 4 consecutive bases within chr9:137,099,736-137,099,740 gives the same sequence; the c. name uses the placement nearest the transcript's 3' end. VCF-style (leftmost placement, unchanged base first): chr9-137099735-TCCTG-T. GRCh37 (hg19) VCF-style: chr9-139994187-TCCTG-T.
Other names: c.664_667delCTGC, p.Leu222Metfs (NM_007230.1); short protein forms L258fs.
Identifiers: ClinVar variation 2012254 (VCV002012254.4), dbSNP rs1564281463, ClinGen allele CA591201342.

ClinVar aggregate classification (germline): Pathogenic (1 of 4 stars; one submission).

Conditions:
Rafiq syndrome (RAFQS). Identifiers: Orphanet 88616, MedGen C3280127, MONDO:0013624, OMIM 614202.

Submission:

Labcorp Genetics (formerly Invitae), Labcorp
Classification: Pathogenic for Rafiq syndrome. Last evaluated: 2025-07-28. Review status: criteria provided, single submitter. Criteria: Invitae Variant Classification Sherloc (09022015). Collection method: clinical testing. Allele origin: germline.
Comment: This sequence change creates a premature translational stop signal (p.Leu258Metfs*16) in the MAN1B1 gene. It is expected to result in an absent or disrupted protein product. Loss-of-function variants in MAN1B1 are known to be pathogenic (PMID: 24566669). This variant is present in population databases (no rsID available, gnomAD 0.006%). This variant has not been reported in the literature in individuals affected with MAN1B1-related conditions. ClinVar contains an entry for this variant (Variation ID: 2012254). For these reasons, this variant has been classified as Pathogenic.

Literature cited by the submitters: PubMed 24566669.